The following is an entry in ClinVar:

NM_020975.6(RET):c.1019T>C (p.Val340Ala)

Gene: RET (ret proto-oncogene; plus strand). Cytogenetic location: 10q11.21.
Variant type: single nucleotide variant.
Coding change: c.1019T>C on transcript NM_020975.6 (MANE Select); coding-DNA position 1019, T replaced by C.
Protein change: p.Val340Ala; replaces valine 340 with alanine.
Molecular consequence: missense variant. On other transcripts: intron variant (25).
Genome position (GRCh38, 1-based): chr10:43,106,527, T>C. VCF-style: chr10-43106527-T-C. GRCh37 (hg19) VCF-style: chr10-43601975-T-C.
Other names: c.257T>C, p.Val86Ala (NM_001355216.2); c.1019T>C, p.Val340Ala (NM_001406743.1, NM_001406744.1, NM_001406759.1 and 4 more transcripts); c.890T>C, p.Val297Ala (NM_001406761.1, NM_001406762.1, NM_001406764.1 and 1 more transcripts); c.731T>C, p.Val244Ala (NM_001406766.1, NM_001406767.1, NM_001406770.1); c.867+1334T>C (NM_001406772.1, NM_001406769.1); c.626-2504T>C (NM_001406773.1, NM_001406771.1); c.625+3898T>C (NM_001406782.1, NM_001406780.1, NM_001406779.1 and 3 more transcripts); c.738+1334T>C (NM_001406774.1); and 5 more; short protein forms V86A, V297A, V340A, V244A.
Identifiers: ClinVar variation 3713470 (VCV003713470.3).

ClinVar aggregate classification (germline): Conflicting classifications of pathogenicity. Review status: criteria provided, conflicting classifications (1 of 4 stars). 2 submissions from 2 submitters: Uncertain significance (1); Likely benign (1). Last evaluated 2025-09-17.

Conditions:
Multiple endocrine neoplasia, type 2 (MEN2). Identifiers: Orphanet 653, MedGen C4048306, MONDO:0019003. Disease mechanism: gain of function.
Hereditary cancer-predisposing syndrome. Also called: Hereditary neoplastic syndrome; Neoplastic Syndromes, Hereditary; Hereditary Cancer Syndrome; Tumor predisposition. Identifiers: Orphanet 140162, MedGen C0027672, MeSH D009386, MONDO:0015356.

Submissions (2):

Ambry Genetics
Classification: Likely benign for Hereditary cancer-predisposing syndrome. Last evaluated: 2025-09-17. Review status: criteria provided, single submitter. Criteria: Ambry Variant Classification Scheme 2023. Collection method: clinical testing. Allele origin: germline.

Labcorp Genetics (formerly Invitae), Labcorp
Classification: Uncertain significance for Multiple endocrine neoplasia, type 2. Last evaluated: 2024-02-08. Review status: criteria provided, single submitter. Criteria: Invitae Variant Classification Sherloc (09022015). Collection method: clinical testing. Allele origin: germline.
Comment: This sequence change replaces valine, which is neutral and non-polar, with alanine, which is neutral and non-polar, at codon 340 of the RET protein (p.Val340Ala). This variant is not present in population databases (gnomAD no frequency). This variant has not been reported in the literature in individuals affected with RET-related conditions. Algorithms developed to predict the effect of missense changes on protein structure and function output the following: SIFT: "Not Available"; PolyPhen-2: "Benign"; Align-GVGD: "Not Available". The alanine amino acid residue is found in multiple mammalian species, which suggests that this missense change does not adversely affect protein function. In summary, the available evidence is currently insufficient to determine the role of this variant in disease. Therefore, it has been classified as a Variant of Uncertain Significance.